The following is an entry in ClinVar:

ClinVar aggregate classification (germline): Likely benign. Review status: criteria provided, single submitter (1 of 4 stars). 2 submissions from 2 submitters: Likely benign (1). 1 of the submissions does not count toward it. Last evaluated 2024-09-04.

Conditions:
SBF2-related disorder. Also called: SBF2-related condition.
Charcot-Marie-Tooth disease type 4. Also called: Charcot-Marie-Tooth disease, type IV; Charcot-Marie-Tooth, Type 4. Identifiers: Orphanet 64749, MedGen C4082197, MONDO:0018995.

Allele frequency attached by ClinVar (database versions not stated): TOPMed below 0.00001; gnomAD exomes 0.00001.
gnomAD v4.1: 20 of 1,614,168 alleles (0.0012%); highest among the groups gnomAD compares: South Asian, 0.0033%; no homozygotes.

Submissions (2):

Labcorp Genetics (formerly Invitae), Labcorp
Classification: Likely benign for Charcot-Marie-Tooth disease type 4. Last evaluated: 2024-09-04. Review status: criteria provided, single submitter. Criteria: Invitae Variant Classification Sherloc (09022015). Collection method: clinical testing. Allele origin: germline.

PreventionGenetics, part of Exact Sciences
Classification: Likely benign for SBF2-related condition. Last evaluated: 2021-10-26. Review status: no assertion criteria provided. Collection method: clinical testing. Allele origin: germline. Not counted in ClinVar's aggregate classification.
Comment: This variant is classified as likely benign based on ACMG/AMP sequence variant interpretation guidelines (Richards et al. 2015 PMID: 25741868, with internal and published modifications).

NM_030962.4(SBF2):c.4795C>T (p.Leu1599=)

Genes: SBF2 (SET binding factor 2; minus strand), SBF2-AS1 (SBF2 antisense RNA 1; plus strand), LOC105369149 (uncharacterized LOC105369149; plus strand). Cytogenetic location: 11p15.4.
Variant type: single nucleotide variant.
Coding change: c.4795C>T on transcript NM_030962.4 (MANE Select); coding-DNA position 4795, C replaced by T.
Protein change: p.Leu1599=; no amino-acid change (leucine 1599 retained).
Molecular consequence: synonymous variant.
Genome position (GRCh38, 1-based): chr11:9,789,246, G>A on the plus strand (C>T on the coding strand, the complement: SBF2 is on the minus strand). VCF-style: chr11-9789246-G-A. GRCh37 (hg19) VCF-style: chr11-9810793-G-A.
Other names: c.4891C>T, p.Leu1631= (NM_001386339.1); c.4666C>T, p.Leu1556= (NM_001386342.1); c.4795C>T (NM_030962.3).
Identifiers: ClinVar variation 1604947 (VCV001604947.10), dbSNP rs926646414, ClinGen allele CA217608535.